The following is an entry in ClinVar:

ClinVar aggregate classification (germline): Uncertain significance (1 of 4 stars; one submission).

Conditions:
Polydactyly, postaxial, type a10. Identifiers: MedGen C5193129, MONDO:0032785, OMIM 618498.

Allele frequency attached by ClinVar (database versions not stated): TOPMed below 0.00001; gnomAD exomes 0.00004 and 0.00006; ExAC 0.00005.
gnomAD v4.1: 23 of 1,551,406 alleles (0.0015%); highest among the groups gnomAD compares: South Asian, 0.027%; no homozygotes.

Submission:

3billion
Classification: Uncertain significance for Polydactyly, postaxial, type a10. Last evaluated: 2022-01-03. Review status: criteria provided, single submitter. Criteria: ACMG Guidelines, 2015. Collection method: clinical testing. Allele origin: germline. Affected: yes. Observed: 1 homozygote.
Comment: The variant is observed at an extremely low frequency in the gnomAD v2.1.1 dataset (total allele frequency: 0.000057, PM2_M). Therefore, this variant is classified as uncertain significance according to the recommendation of ACMG/AMP guideline.

NM_001145678.3(KIAA0825):c.3572C>T (p.Pro1191Leu)

Gene: KIAA0825 (KIAA0825; minus strand). Cytogenetic location: 5q15.
Variant type: single nucleotide variant.
Coding change: c.3572C>T on transcript NM_001145678.3 (MANE Select); coding-DNA position 3572, C replaced by T.
Protein change: p.Pro1191Leu; replaces proline 1191 with leucine.
Molecular consequence: missense variant. On other transcripts: non-coding transcript variant (1).
Genome position (GRCh38, 1-based): chr5:94,386,289, G>A on the plus strand (C>T on the coding strand, the complement: KIAA0825 is on the minus strand). VCF-style: chr5-94386289-G-A. GRCh37 (hg19) VCF-style: chr5-93721994-G-A.
Other names: c.3587C>T, p.Pro1196Leu (NM_001385712.1, NM_001385713.1, NM_001388325.1); short protein forms P1191L, P1196L.
Identifiers: ClinVar variation 1333522 (VCV001333522.1), dbSNP rs776944748, ClinGen allele CA3343951.